The following is an entry in ClinVar:

ClinVar aggregate classification (germline): Pathogenic/Likely pathogenic. Review status: criteria provided, multiple submitters, no conflicts (2 of 4 stars). 2 submissions from 2 submitters: Pathogenic (1); Likely pathogenic (1). Last evaluated 2024-02-29.

Conditions:
Autosomal recessive congenital ichthyosis 1 (LI1). Also called: COLLODION FETUS; DESQUAMATION OF NEWBORN; ICHTHYOSIS CONGENITA; ICHTHYOSIS CONGENITA II; LAMELLAR EXFOLIATION OF NEWBORN; ICHTHYOSIS, CONGENITAL, AUTOSOMAL RECESSIVE 1, WITH BATHING SUIT DISTRIBUTION. Identifiers: MedGen C4551630, MONDO:0009441, OMIM 242300.

Submissions (2):

Labcorp Genetics (formerly Invitae), Labcorp
Classification: Pathogenic. Last evaluated: 2024-02-29. Review status: criteria provided, single submitter. Criteria: Invitae Variant Classification Sherloc (09022015). Collection method: clinical testing. Allele origin: germline.
Comment: This sequence change creates a premature translational stop signal (p.Thr749Asnfs*54) in the TGM1 gene. While this is not anticipated to result in nonsense mediated decay, it is expected to disrupt the last 69 amino acid(s) of the TGM1 protein. This variant is not present in population databases (gnomAD no frequency). This variant has not been reported in the literature in individuals affected with TGM1-related conditions. This variant disrupts a region of the TGM1 protein in which other variant(s) (p.Arg760*) have been determined to be pathogenic (PMID: 10914678, 21668430). This suggests that this is a clinically significant region of the protein, and that variants that disrupt it are likely to be disease-causing. For these reasons, this variant has been classified as Pathogenic.

Baylor Genetics
Classification: Likely pathogenic for Autosomal recessive congenital ichthyosis 1. Last evaluated: 2023-12-18. Review status: criteria provided, single submitter. Criteria: ACMG Guidelines, 2015. Collection method: clinical testing. Allele origin: unknown.

Literature cited by the submitters: PubMed 10914678 (cited by Labcorp Genetics (formerly Invitae), Labcorp); PubMed 21668430 (cited by Labcorp Genetics (formerly Invitae), Labcorp).

NM_000359.3(TGM1):c.2245dup (p.Thr749fs)

Gene: TGM1 (transglutaminase 1; minus strand). Cytogenetic location: 14q12.
Variant type: Duplication.
Coding change: c.2245dup on transcript NM_000359.3 (MANE Select); coding-DNA position 2245, one base duplicated (A; older notation c.2245dupA).
Protein change: p.Thr749fs; shifts the reading frame from threonine 749.
Molecular consequence: frameshift variant.
Genome position (GRCh38, 1-based): chr14:24,249,522, T duplicated on the plus strand (A on the coding strand, the reverse complement: TGM1 is on the minus strand); the first of 3 consecutive T bases (chr14:24,249,522-24,249,524); duplicating any one gives the same sequence. VCF-style (leftmost placement, unchanged base first): chr14-24249521-G-GT. GRCh37 (hg19) VCF-style: chr14-24718727-G-GT.
Other names: short protein forms T749fs.
Identifiers: ClinVar variation 3240603 (VCV003240603.3), dbSNP rs2502484634.
Genomic context (GRCh38, chr14:24,249,521, plus strand): 5'-CTGGCAATGAGCTGGCGGGGGCCTGGTCGCACAGGCACAAACGACTGGCGCAGTGTCACT[G>GT]TTTCATTGCCTCCAATGTCCCTGTGGGCAGAGACAAGGTCATGGGCCTGGAGTAATTGGG-3'